The following is an entry in ClinVar:

ClinVar aggregate classification (germline): Uncertain significance (1 of 4 stars; one submission).

Allele frequency attached by ClinVar (database versions not stated): gnomAD exomes below 0.00001.
gnomAD v4.1: 1 of 1,614,150 alleles (0.000062%); highest among the groups gnomAD compares: Non-Finnish European, 0.000085%; no homozygotes.

Submission:

GeneDx
Classification: Uncertain significance. Last evaluated: 2020-01-29. Review status: criteria provided, single submitter. Criteria: GeneDx Variant Classification Process June 2021. Collection method: clinical testing. Allele origin: germline. Affected: yes.
Comment: Not observed in large population cohorts (Lek et al., 2016); Has not been previously published as pathogenic or benign to our knowledge; In-silico analysis, which includes splice predictors and evolutionary conservation, is inconclusive as to whether the variant alters gene splicing. In the absence of RNA/functional studies, the actual effect of this sequence change is unknown

NM_024809.5(TCTN2):c.1896-5T>C

Gene: TCTN2 (tectonic family member 2; plus strand). Cytogenetic location: 12q24.31.
Variant type: single nucleotide variant.
Coding change: c.1896-5T>C on transcript NM_024809.5 (MANE Select); 5 bases into the intron before coding-DNA position 1896, T replaced by C.
Molecular consequence: intron variant.
Genome position (GRCh38, 1-based): chr12:123,706,980, T>C. VCF-style: chr12-123706980-T-C. GRCh37 (hg19) VCF-style: chr12-124191527-T-C.
Other names: c.1893-5T>C (NM_001143850.3).
Identifiers: ClinVar variation 1315256 (VCV001315256.2), dbSNP rs2135862725, ClinGen allele CA2573053624.